The following is an entry in ClinVar:

NM_181534.4(KRT25):c.736G>A (p.Val246Met)

Gene: KRT25 (keratin 25; minus strand). Cytogenetic location: 17q21.2.
Variant type: single nucleotide variant.
Coding change: c.736G>A on transcript NM_181534.4 (MANE Select); coding-DNA position 736, G replaced by A.
Protein change: p.Val246Met; replaces valine 246 with methionine.
Molecular consequence: missense variant.
Genome position (GRCh38, 1-based): chr17:40,751,260, C>T on the plus strand (G>A on the coding strand, the complement: KRT25 is on the minus strand). VCF-style: chr17-40751260-C-T. GRCh37 (hg19) VCF-style: chr17-38907512-C-T.
Other names: short protein forms V246M.
Identifiers: ClinVar variation 2361555 (VCV002361555.4), dbSNP rs200692586, ClinGen allele CA8546283.

ClinVar aggregate classification (germline): Uncertain significance. Review status: criteria provided, multiple submitters, no conflicts (2 of 4 stars). 3 submissions from 3 submitters: Uncertain significance (3). Last evaluated 2025-11-16.

Conditions:
Wooly hair, autosomal recessive 3. Also called: WOOLLY HAIR, AUTOSOMAL RECESSIVE 3, WITH HYPOTRICHOSIS; WOOLLY HAIR, AUTOSOMAL RECESSIVE 3. Identifiers: Orphanet 170, MedGen C4225214, MONDO:0014765, OMIM 616760.

Allele frequency attached by ClinVar (database versions not stated): ExAC 0.00007; ESP Exome Variant Server 0.00008; gnomAD exomes 0.00012; TOPMed 0.00018; gnomAD 0.00019.
gnomAD v4.1: 211 of 1,614,174 alleles (0.013%); highest among the groups gnomAD compares: Middle Eastern, 0.099%; no homozygotes.

Submissions (3):

Labcorp Genetics (formerly Invitae), Labcorp
Classification: Uncertain significance. Last evaluated: 2025-11-16. Review status: criteria provided, single submitter. Criteria: Invitae Variant Classification Sherloc (09022015). Collection method: clinical testing. Allele origin: germline.
Comment: This sequence change replaces valine, which is neutral and non-polar, with methionine, which is neutral and non-polar, at codon 246 of the KRT25 protein (p.Val246Met). This variant is present in population databases (rs200692586, gnomAD 0.02%). This variant has not been reported in the literature in individuals affected with KRT25-related conditions. ClinVar contains an entry for this variant (Variation ID: 2361555). Invitae Evidence Modeling of protein sequence and biophysical properties (such as structural, functional, and spatial information, amino acid conservation, physicochemical variation, residue mobility, and thermodynamic stability) indicates that this missense variant is not expected to disrupt KRT25 protein function with a negative predictive value of 80%. In summary, the available evidence is currently insufficient to determine the role of this variant in disease. Therefore, it has been classified as a Variant of Uncertain Significance.

Fulgent Genetics
Classification: Uncertain significance for Wooly hair, autosomal recessive 3. Last evaluated: 2024-01-31. Review status: criteria provided, single submitter. Criteria: ACMG Guidelines, 2015. Collection method: clinical testing. Allele origin: germline.

Ambry Genetics
Classification: Uncertain significance. Last evaluated: 2021-10-22. Review status: criteria provided, single submitter. Criteria: Ambry Variant Classification Scheme 2023. Collection method: clinical testing. Allele origin: germline.